The following is an entry in ClinVar:

NM_001001557.4(GDF6):c.623C>T (p.Pro208Leu)

Gene: GDF6 (growth differentiation factor 6; minus strand). Cytogenetic location: 8q22.1.
Variant type: single nucleotide variant.
Coding change: c.623C>T on transcript NM_001001557.4 (MANE Select); coding-DNA position 623, C replaced by T.
Protein change: p.Pro208Leu; replaces proline 208 with leucine.
Molecular consequence: missense variant.
Genome position (GRCh38, 1-based): chr8:96,145,308, G>A on the plus strand (C>T on the coding strand, the complement: GDF6 is on the minus strand). VCF-style: chr8-96145308-G-A. GRCh37 (hg19) VCF-style: chr8-97157536-G-A.
Other names: short protein forms P208L.
Identifiers: ClinVar variation 837877 (VCV000837877.9), dbSNP rs903826881, ClinGen allele CA371752214.

ClinVar aggregate classification (germline): Uncertain significance (1 of 4 stars; one submission).

Conditions:
Leber congenital amaurosis 17 (LCA17). Identifiers: Orphanet 65, MedGen C3715164, MONDO:0014145, OMIM 615360.
Klippel-Feil syndrome 1, autosomal dominant (KFS1). Also called: CERVICAL VERTEBRAL FUSION, AUTOSOMAL DOMINANT. Identifiers: Orphanet 2345, MedGen C1861689, MONDO:0007306, OMIM 118100.
Isolated microphthalmia 4. Identifiers: Orphanet 2542, MedGen C2751307, MONDO:0013130, OMIM 613094.
Microphthalmia, isolated, with coloboma 6 (MCOPCB6). Also called: MICROPHTHALMIA/COLOBOMA 6; Microphthalmia with coloboma 6, digenic; Microphthalmia with coloboma 6. Identifiers: Orphanet 98938, MedGen C3150968, MONDO:0013376, OMIM 613703.

Allele frequency attached by ClinVar (database versions not stated): TOPMed 0.00001.
gnomAD v4.1: 1 of 1,531,516 alleles (0.000065%); highest among the groups gnomAD compares: South Asian, 0.0012%; no homozygotes.

Submission:

Labcorp Genetics (formerly Invitae), Labcorp
Classification: Uncertain significance for Isolated microphthalmia 4; Leber congenital amaurosis 17; Klippel-Feil syndrome 1, autosomal dominant; Microphthalmia, isolated, with coloboma 6. Last evaluated: 2022-11-01. Review status: criteria provided, single submitter. Criteria: Invitae Variant Classification Sherloc (09022015). Collection method: clinical testing. Allele origin: germline.
Comment: This sequence change replaces proline, which is neutral and non-polar, with leucine, which is neutral and non-polar, at codon 208 of the GDF6 protein (p.Pro208Leu). In summary, the available evidence is currently insufficient to determine the role of this variant in disease. Therefore, it has been classified as a Variant of Uncertain Significance. Advanced modeling of protein sequence and biophysical properties (such as structural, functional, and spatial information, amino acid conservation, physicochemical variation, residue mobility, and thermodynamic stability) performed at Invitae indicates that this missense variant is not expected to disrupt GDF6 protein function. ClinVar contains an entry for this variant (Variation ID: 837877). This variant has not been reported in the literature in individuals affected with GDF6-related conditions. The frequency data for this variant in the population databases is considered unreliable, as metrics indicate poor data quality at this position in the gnomAD database.